The following is an entry in ClinVar:

ClinVar aggregate classification (germline): Conflicting classifications of pathogenicity. Review status: criteria provided, conflicting classifications (1 of 4 stars). 3 submissions from 3 submitters: Pathogenic (1); Likely pathogenic (1); Uncertain significance (1). Last evaluated 2024-04-24.

Conditions:
Inborn genetic diseases. Identifiers: MedGen C0950123, MeSH D030342.
Hereditary spastic paraplegia 11. Also called: Spastic paraplegia, mental retardation and thin corpus callosum; SPASTIC PARAPLEGIA, AUTOSOMAL RECESSIVE, COMPLICATED, WITH THIN CORPUS CALLOSUM; SPASTIC PARAPLEGIA, AUTOSOMAL RECESSIVE, WITH MENTAL IMPAIRMENT AND THIN CORPUS CALLOSUM; Spastic Paraplegia 11; Nakamura Osame syndrome; Autosomal recessive hereditary spastic paraplegia, mental impairment, and thin corpus callosum. Identifiers: Orphanet 2822, MedGen C1858479, MONDO:0011445, OMIM 604360.

Allele frequency attached by ClinVar (database versions not stated): gnomAD exomes below 0.00001.

Submissions (3):

Labcorp Genetics (formerly Invitae), Labcorp
Classification: Likely pathogenic for Hereditary spastic paraplegia 11. Last evaluated: 2024-04-24. Review status: criteria provided, single submitter. Criteria: Invitae Variant Classification Sherloc (09022015). Collection method: clinical testing. Allele origin: germline.
Comment: This sequence change affects a donor splice site in intron 38 of the SPG11 gene. It is expected to disrupt RNA splicing. Variants that disrupt the donor or acceptor splice site typically lead to a loss of protein function (PMID: 16199547), and loss-of-function variants in SPG11 are known to be pathogenic (PMID: 19105190, 20110243, 22154821, 26556829). This variant is present in population databases (no rsID available, gnomAD 0.0009%). This variant has not been reported in the literature in individuals affected with SPG11-related conditions. ClinVar contains an entry for this variant (Variation ID: 1333543). Algorithms developed to predict the effect of sequence changes on RNA splicing suggest that this variant may disrupt the consensus splice site. In summary, the currently available evidence indicates that the variant is pathogenic, but additional data are needed to prove that conclusively. Therefore, this variant has been classified as Likely Pathogenic.

3billion
Classification: Pathogenic for Hereditary spastic paraplegia 11. Last evaluated: 2022-01-03. Review status: criteria provided, single submitter. Criteria: ACMG Guidelines, 2015. Collection method: clinical testing. Allele origin: germline. Affected: yes. Observed: 1 heterozygote.
Comment: Canonical splice site: predicted to alter splicing and result in a loss or disruption of normal protein function through protein truncation. Multiple pathogenic variants are reported in the predicted truncated region (PVS1_VS). It is observed at an extremely low frequency in the gnomAD v2.1.1 dataset (total allele frequency: 0.000004 , PM2_M).The variant has been reported to be in trans with a pathogenic variant (NM_025137.4:c.442+1G>C) as compound heterozygous (3billion dataset, PM3_M). Therefore, this variant is classified as pathogenic according to the recommendation of ACMG/AMP guideline.

Ambry Genetics
Classification: Uncertain significance for Inborn genetic diseases. Last evaluated: 2020-06-23. Review status: criteria provided, single submitter. Criteria: Ambry Variant Classification Scheme 2023. Collection method: clinical testing. Allele origin: germline.
Comment: The c.6999+1G>A intronic variant results from a G to A substitution one nucleotide after coding exon 38 of the SPG11 gene. Alterations that disrupt the canonical splice site are expected to cause aberrant splicing, resulting in an abnormal protein or a transcript that is subject to nonsense-mediated mRNA decay. However, one of the predicted consequences is skipping of exon 38, leading to an in-frame deletion with unknown functional impact. This nucleotide position is highly conserved in available vertebrate species. Using the BDGP and ESEfinder splice site prediction tools, this alteration is predicted to abolish the native splice donor site; however, direct evidence is unavailable. Since supporting evidence is limited at this time, the clinical significance of this alteration remains unclear.

Literature cited by the submitters: PubMed 16199547 (cited by Labcorp Genetics (formerly Invitae), Labcorp); PubMed 19105190 (cited by Labcorp Genetics (formerly Invitae), Labcorp); PubMed 20110243 (cited by Labcorp Genetics (formerly Invitae), Labcorp); PubMed 22154821 (cited by Labcorp Genetics (formerly Invitae), Labcorp); PubMed 26556829 (cited by Labcorp Genetics (formerly Invitae), Labcorp).

NM_025137.4(SPG11):c.6999+1G>A

Gene: SPG11 (SPG11 vesicle trafficking associated, spatacsin; minus strand). Cytogenetic location: 15q21.1.
Variant type: single nucleotide variant.
Coding change: c.6999+1G>A on transcript NM_025137.4 (MANE Select); the canonical splice donor site of the intron after coding-DNA position 6999, G replaced by A.
Molecular consequence: splice donor variant.
Genome position (GRCh38, 1-based): chr15:44,565,853, C>T on the plus strand (G>A on the coding strand, the complement: SPG11 is on the minus strand). VCF-style: chr15-44565853-C-T. GRCh37 (hg19) VCF-style: chr15-44858051-C-T.
Other names: c.6855+1G>A (NM_001411132.1); c.6660+1G>A (NM_001160227.2); c.6999+1G>A (NM_025137.3).
Identifiers: ClinVar variation 1333543 (VCV001333543.6), dbSNP rs1191614292, ClinGen allele CA392213014.